The following is an entry in ClinVar:

NM_015338.6(ASXL1):c.844C>G (p.Gln282Glu)

Gene: ASXL1 (ASXL transcriptional regulator 1; plus strand). Cytogenetic location: 20q11.21.
Variant type: single nucleotide variant.
Coding change: c.844C>G on transcript NM_015338.6 (MANE Select); coding-DNA position 844, C replaced by G.
Protein change: p.Gln282Glu; replaces glutamine 282 with glutamic acid.
Molecular consequence: missense variant.
Genome position (GRCh38, 1-based): chr20:32,431,446, C>G. VCF-style: chr20-32431446-C-G. GRCh37 (hg19) VCF-style: chr20-31019249-C-G.
Other names: c.661C>G, p.Gln221Glu (NM_001363734.1); short protein forms Q221E, Q282E.
Identifiers: ClinVar variation 1711885 (VCV001711885.4), dbSNP rs2123235086, ClinGen allele CA408553885.

ClinVar aggregate classification (germline): Uncertain significance. Review status: criteria provided, multiple submitters, no conflicts (2 of 4 stars). 2 submissions from 2 submitters: Uncertain significance (2). Last evaluated 2025-07-01.

Submissions (2):

Women's Health and Genetics/Laboratory Corporation of America, LabCorp
Classification: Uncertain significance. Last evaluated: 2025-07-01. Review status: criteria provided, single submitter. Criteria: LabCorp Variant Classification Summary - May 2015. Collection method: clinical testing. Allele origin: germline.
Comment: Variant summary: ASXL1 c.844C>G (p.Gln282Glu) results in a conservative amino acid change in the encoded protein sequence. Algorithms developed to predict the effect of missense changes on protein structure and function are either unavailable or do not agree on the potential impact of this missense change. The variant was absent in 251480 control chromosomes. The available data on variant occurrences in the general population are insufficient to allow any conclusion about variant significance. To our knowledge, no occurrence of c.844C>G in individuals affected with Bohring-Opitz Syndrome and no experimental evidence demonstrating its impact on protein function have been reported. ClinVar contains an entry for this variant (Variation ID: 1711885). Based on the evidence outlined above, the variant was classified as uncertain significance.

GeneDx
Classification: Uncertain significance. Last evaluated: 2022-04-22. Review status: criteria provided, single submitter. Criteria: GeneDx Variant Classification Process June 2021. Collection method: clinical testing. Allele origin: germline. Affected: yes.
Comment: Not observed at significant frequency in large population cohorts (gnomAD); In silico analysis supports that this missense variant has a deleterious effect on protein structure/function; Has not been previously published as pathogenic or benign to our knowledge